The following is an entry in ClinVar:

NM_001042517.2(DIAPH3):c.2126T>C (p.Ile709Thr)

Gene: DIAPH3 (diaphanous related formin 3; minus strand). Cytogenetic location: 13q21.2.
Variant type: single nucleotide variant.
Coding change: c.2126T>C on transcript NM_001042517.2 (MANE Select); coding-DNA position 2126, T replaced by C.
Protein change: p.Ile709Thr; replaces isoleucine 709 with threonine.
Molecular consequence: missense variant.
Genome position (GRCh38, 1-based): chr13:59,924,819, A>G on the plus strand (T>C on the coding strand, the complement: DIAPH3 is on the minus strand). VCF-style: chr13-59924819-A-G. GRCh37 (hg19) VCF-style: chr13-60498953-A-G.
Other names: c.2093T>C, p.Ile698Thr (NM_001258366.2); c.1988T>C, p.Ile663Thr (NM_001258367.2); c.1916T>C, p.Ile639Thr (NM_001258368.2); c.2126T>C, p.Ile709Thr (NM_001258369.2); c.1337T>C, p.Ile446Thr (NM_001258370.2, NM_030932.4); short protein forms I639T, I446T, I663T, I698T, I709T.
Identifiers: ClinVar variation 1499744 (VCV001499744.8), dbSNP rs2047679230, ClinGen allele CA388332736.
Genomic context (GRCh38, chr13:59,924,819, plus strand): 5'-GGAATATGATACTTACAAAGGTTCTGGGCAATTTTAGAATCTAAAAACTTAAGTTCTTTA[A>G]TTTTTTTCTTAATCGATTTCTTCTCTTCAATATCTTCCTCTTCTCTTCTCTCTGTAAAAC-3'
Protein context (NP_001035982.1, residues 699-719): IEEKKSIKKK[Ile709Thr]KELKFLDSKI

ClinVar aggregate classification (germline): Uncertain significance (1 of 4 stars; one submission).

Allele frequency attached by ClinVar (database versions not stated): gnomAD exomes below 0.00001.
gnomAD v4.1: 2 of 1,601,928 alleles (0.00012%); highest among the groups gnomAD compares: Non-Finnish European, 0.000085%; no homozygotes.

Submission:

Labcorp Genetics (formerly Invitae), Labcorp
Classification: Uncertain significance. Last evaluated: 2022-02-05. Review status: criteria provided, single submitter. Criteria: Invitae Variant Classification Sherloc (09022015). Collection method: clinical testing. Allele origin: germline.
Comment: In summary, the available evidence is currently insufficient to determine the role of this variant in disease. Therefore, it has been classified as a Variant of Uncertain Significance. Algorithms developed to predict the effect of missense changes on protein structure and function are either unavailable or do not agree on the potential impact of this missense change (SIFT: "Tolerated"; PolyPhen-2: "Possibly Damaging"; Align-GVGD: "Class C0"). This variant has not been reported in the literature in individuals affected with DIAPH3-related conditions. This variant is not present in population databases (gnomAD no frequency). This sequence change replaces isoleucine, which is neutral and non-polar, with threonine, which is neutral and polar, at codon 709 of the DIAPH3 protein (p.Ile709Thr).